The following is an entry in ClinVar:

ClinVar aggregate classification (germline): Benign. Review status: criteria provided, multiple submitters, no conflicts (2 of 4 stars). 6 submissions from 6 submitters: Benign (6). Last evaluated 2026-02-02.

Conditions:
Microcephalic osteodysplastic primordial dwarfism type II (MOPD2). Also called: Microcephalic osteodysplastic primordial dwarfism with tooth abnormalities; MOPD II; OSTEODYSPLASTIC PRIMORDIAL DWARFISM, TYPE II. Identifiers: Orphanet 2637, MedGen C0432246, MONDO:0008872, OMIM 210720.

Allele frequency attached by ClinVar (database versions not stated): 1000 Genomes Project 30x 0.02327; 1000 Genomes Project 0.02376; TOPMed 0.04401; ESP Exome Variant Server 0.05116; gnomAD 0.05866.
gnomAD v4.1: 87,470 of 1,612,720 alleles (5.4%); highest among the groups gnomAD compares: Non-Finnish European, 6.1%; 2,698 homozygotes.

Submissions (6):

Labcorp Genetics (formerly Invitae), Labcorp
Classification: Benign. Last evaluated: 2026-02-02. Review status: criteria provided, single submitter. Criteria: Invitae Variant Classification Sherloc (09022015). Collection method: clinical testing. Allele origin: germline.

Illumina Laboratory Services, Illumina
Classification: Benign for Microcephalic osteodysplastic primordial dwarfism type II. Last evaluated: 2018-01-13. Review status: criteria provided, single submitter. Criteria: ICSL Variant Classification Criteria 13 December 2019. Collection method: clinical testing. Allele origin: germline.
Comment: This variant was observed in the ICSL laboratory as part of a predisposition screen in an ostensibly healthy population. It had not been previously curated by ICSL or reported in the Human Gene Mutation Database (HGMD: prior to June 1st, 2018), and was therefore a candidate for classification through an automated scoring system. Utilizing variant allele frequency, disease prevalence and penetrance estimates, and inheritance mode, an automated score was calculated to assess if this variant is too frequent to cause the disease. Based on the score and internal cut-off values, a variant classified as benign is not then subjected to further curation. The score for this variant resulted in a classification of benign for this disease.

GeneDx
Classification: Benign. Last evaluated: 2014-03-31. Review status: criteria provided, single submitter. Criteria: GeneDx Variant Classification (06012015). Collection method: clinical testing. Allele origin: germline. Affected: yes.
Comment: This variant is considered likely benign or benign based on one or more of the following criteria: it is a conservative change, it occurs at a poorly conserved position in the protein, it is predicted to be benign by multiple in silico algorithms, and/or has population frequency not consistent with disease.

Eurofins Ntd Llc (ga)
Classification: Benign. Last evaluated: 2013-08-07. Review status: criteria provided, single submitter. Criteria: EGL Classification Definitions 2015. Collection method: clinical testing. Allele origin: germline. Observed: 2 variant alleles, 2 heterozygotes.

Genetic Services Laboratory, University of Chicago
Classification: Benign. Last evaluated: 2013-02-08. Review status: criteria provided, single submitter. Criteria: ACMG Guidelines, 2007. Collection method: clinical testing. Allele origin: germline. Inheritance: Autosomal recessive inheritance.

Breakthrough Genomics
Classification: Benign. Review status: criteria provided, single submitter. Criteria: ACMG Guidelines, 2015. Collection method: not provided. Allele origin: germline. Inheritance: Autosomal recessive inheritance. Affected: yes.

NM_006031.6(PCNT):c.5634C>T (p.Asp1878=)

Gene: PCNT (pericentrin; plus strand). Cytogenetic location: 21q22.3.
Variant type: single nucleotide variant.
Coding change: c.5634C>T on transcript NM_006031.6 (MANE Select); coding-DNA position 5634, C replaced by T.
Protein change: p.Asp1878=; no amino-acid change (aspartic acid 1878 retained).
Molecular consequence: synonymous variant.
Genome position (GRCh38, 1-based): chr21:46,411,707, C>T. VCF-style: chr21-46411707-C-T. GRCh37 (hg19) VCF-style: chr21-47831621-C-T.
Other names: p.D1878D:GAC>GAT; c.5280C>T, p.Asp1760= (NM_001315529.2).
Identifiers: ClinVar variation 95338 (VCV000095338.21), dbSNP rs61735811, ClinGen allele CA148445.
Genomic context (GRCh38, chr21:46,411,707, plus strand): 5'-GTTCGAAGCGGCCCTGAAAGCAAAGGAAGCGACGATTGCCGAGAGAAATTTAGAAATCGA[C>T]GCTCTGAACCAGCGGAAGGCGGCCCACTCTGCCGAGCTGGAGGCCGTCCTGTTGGCCTTG-3'
Protein context (NP_006022.3, residues 1868-1888): ATIAERNLEI[Asp1878=]ALNQRKAAHS